The following is an entry in ClinVar:

NM_003002.4(SDHD):c.341A>G (p.Tyr114Cys)

Gene: SDHD (succinate dehydrogenase complex subunit D; plus strand). Cytogenetic location: 11q23.1.
Variant type: single nucleotide variant.
Coding change: c.341A>G on transcript NM_003002.4 (MANE Select); coding-DNA position 341, A replaced by G.
Protein change: p.Tyr114Cys; replaces tyrosine 114 with cysteine.
Molecular consequence: missense variant. On other transcripts: 3 prime UTR variant (1), non-coding transcript variant (1).
Genome position (GRCh38, 1-based): chr11:112,094,831, A>G. VCF-style: chr11-112094831-A-G. GRCh37 (hg19) VCF-style: chr11-111965555-A-G.
Other names: c.196A>G, p.Met66Val (NM_001276503.2); c.224A>G, p.Tyr75Cys (NM_001276504.2); c.*39A>G (NM_001276506.2); short protein forms Y114C, M66V, Y75C.
Identifiers: ClinVar variation 6900 (VCV000006900.49), dbSNP rs104894304, ClinGen allele CA016797.

ClinVar aggregate classification (germline): Pathogenic. Review status: criteria provided, multiple submitters, no conflicts (2 of 4 stars). 15 submissions from 15 submitters: Pathogenic (13). 2 of the submissions do not count toward it. Last evaluated 2026-07-21.

Conditions:
SDHD-related disorder. Also called: SDHD-related condition.
Carney-Stratakis syndrome. Also called: PARAGANGLIOMA AND GASTROINTESTINAL STROMAL TUMOR. Identifiers: Orphanet 97286, MedGen C1847319, MONDO:0011740, OMIM 606864.
Paragangliomas with sensorineural hearing loss. Identifiers: MedGen C1868633.
Cowden syndrome 3 (CWS3). Identifiers: Orphanet 201, MedGen CN166604, MONDO:0014045.
Pheochromocytoma. Also called: MAX-Related Hereditary Paraganglioma-Pheochromocytoma Syndrome. Identifiers: Orphanet 29072, MedGen C0031511, MONDO:0008233, OMIM 171300, HP:0002666.
Hereditary cancer-predisposing syndrome. Also called: Hereditary neoplastic syndrome; Neoplastic Syndromes, Hereditary; Hereditary Cancer Syndrome; Tumor predisposition. Identifiers: Orphanet 140162, MedGen C0027672, MeSH D009386, MONDO:0015356.
Hereditary pheochromocytoma and paraganglioma. Also called: Hereditary pheochromocytoma-paraganglioma; Hereditary Paraganglioma-Pheochromocytoma Syndromes; Hereditary paragangliomas and pheochromocytomas. Identifiers: Orphanet 29072, MedGen C4274332, MONDO:0017366.
Pheochromocytoma/paraganglioma syndrome 1. Also called: PARAGANGLIOMATA; SDHD-Related Hereditary Paraganglioma-Pheochromocytoma Syndrome; Paragangliomas 1; Glomus tumors familial 1; Paraganglioma - glomus jugulare; PARAGANGLIOMAS, FAMILIAL NONCHROMAFFIN, 1. Identifiers: Orphanet 29072, MedGen C3494181, MONDO:0008192, OMIM 168000.

Submissions 1 to 9 of 15:

Myriad Genetics, Inc.
Classification: Pathogenic for Hereditary pheochromocytoma and paraganglioma. Last evaluated: 2026-07-21. Review status: criteria provided, single submitter. Criteria: Myriad Autosomal Dominant, Autosomal Recessive and X-Linked Classification Criteria (2023). Collection method: clinical testing. Allele origin: unknown.
Comment: This variant is considered pathogenic. This variant has been reported in multiple individuals with clinical features of gene-specific disease [PMID: 22456618, 32462735, 16080474, 19454582, 23433498]. Functional studies indicate this variant impacts protein function [PMID: 25328978, 22323561]. This variant is expected to disrupt protein structure [Myriad internal data].

Labcorp Genetics (formerly Invitae), Labcorp
Classification: Pathogenic for Carney-Stratakis syndrome; Paragangliomas with sensorineural hearing loss; Pheochromocytoma; Cowden syndrome 3. Last evaluated: 2025-11-18. Review status: criteria provided, single submitter. Criteria: Invitae Variant Classification Sherloc (09022015). Collection method: clinical testing. Allele origin: germline.
Comment: This sequence change replaces tyrosine, which is neutral and polar, with cysteine, which is neutral and slightly polar, at codon 114 of the SDHD protein (p.Tyr114Cys). This variant is not present in population databases (gnomAD no frequency). This missense change has been observed in individuals with pheochromocytomas and paragangliomas (PMID: 11343322, 16080474, 16317055, 17563904, 22456618, 23433498, 25275255, 27279923, 29386252). It is commonly reported in individuals of Trentino Italian ancestry (PMID: 22456618). ClinVar contains an entry for this variant (Variation ID: 6900). Invitae Evidence Modeling of protein sequence and biophysical properties (such as structural, functional, and spatial information, amino acid conservation, physicochemical variation, residue mobility, and thermodynamic stability) indicates that this missense variant is expected to disrupt SDHD protein function with a positive predictive value of 95%. Experimental studies have shown that this missense change affects SDHD function (PMID: 23175444). For these reasons, this variant has been classified as Pathogenic.

Center for Genomic Medicine, Rigshospitalet, Copenhagen University Hospital
Classification: Pathogenic. Last evaluated: 2025-03-04. Review status: criteria provided, single submitter. Criteria: ACMG Guidelines, 2015. Collection method: clinical testing. Allele origin: germline.

Department of Clinical Genetics, Copenhagen University Hospital, Rigshospitalet
Classification: Pathogenic for Hereditary pheochromocytoma and paraganglioma. Last evaluated: 2025-01-24. Review status: criteria provided, single submitter. Criteria: ACMG Guidelines, 2015. Collection method: clinical testing. Allele origin: germline.
Comment: The following ACMG criteria have been used in classification: PM2_SUP; PS4; PP1; PP3; PS3

CeGaT Center for Human Genetics Tuebingen
Classification: Pathogenic. Last evaluated: 2025-01-01. Review status: criteria provided, single submitter. Criteria: CeGaT Center For Human Genetics Tuebingen Variant Classification Criteria Version 2. Collection method: clinical testing. Allele origin: germline. Affected: yes. Observed: 1 variant allele.
Comment: SDHD: PP1:Strong, PM2, PM5, PS4:Moderate, PS3:Supporting

Ambry Genetics
Classification: Pathogenic for Hereditary cancer-predisposing syndrome. Last evaluated: 2024-08-16. Review status: criteria provided, single submitter. Criteria: Ambry Variant Classification Scheme 2023. Collection method: clinical testing. Allele origin: germline.
Comment: The p.Y114C pathogenic mutation (also known as c.341A>G), located in coding exon 4 of the SDHD gene, results from an A to G substitution at nucleotide position 341. The tyrosine at codon 114 is replaced by cysteine, an amino acid with highly dissimilar properties. This variant was reported in multiple individuals with features consistent with SDHD-related paraganglioma-pheochromocytoma syndrome (Neumann H et al. JAMA. 2004 Aug 25;292(8):943-51; Liapis C et al. Anticancer Res. 2005 May-Jun;25(3c):2449-52; Benn D et al. J. Clin. Endocrinol. Metab. 2006 Mar;91(3):827-36; Antonello M et al. Eur. J. Vasc. Endovasc. Surg. 2008 Nov;36(5):517-9; Piccini V et al. Endocr. Relat. Cancer. 2012 Apr 10;19(2):149-55; Zdrojowy-Wena A and Bednarek-Tupikowska G. Neuro Endocrinol. Lett. 2014;35(5):355-8; Bennedb&aelig;k M et al. Hered. Cancer Clin. Pract. 2016 Jun;14:13). In addition, this variant showed strong segregation with disease among 38 screened members of a family affected with head and neck PGL (Fish J et al. Head Neck. 2007 Sep;29(9):864-73). Another study indicated that the p.Y114C variant in the SDHD gene is an Italian founder mutation after finding this alteration in 287 out of 540 individuals from 95 kindred who were diagnosed with head and neck PGL (Schiavi et al. J. Clin. Endocrinol. Metab. 2012 Apr;97(4):637-41). This amino acid position is highly conserved in available vertebrate species. In addition, this alteration is predicted to be deleterious by in silico analysis. This variant is considered to be rare based on population cohorts in the Genome Aggregation Database (gnomAD). Based on the supporting evidence, this variant is interpreted as a disease-causing mutation.

All of Us Research Program, National Institutes of Health
Classification: Pathogenic for Hereditary pheochromocytoma and paraganglioma. Last evaluated: 2023-11-02. Review status: criteria provided, single submitter. Criteria: ACMG Guidelines, 2015. Collection method: clinical testing. Allele origin: germline. Inheritance: Autosomal dominant inheritance. Observed: 1 variant allele, 1 heterozygote.
Comment: This missense variant replaces tyrosine with cysteine at codon 114 of the SDHD protein. Computational prediction suggests that this variant may have deleterious impact on protein structure and function (internally defined REVEL score threshold >= 0.7, PMID: 27666373). Functional studies in yeast have shown a complete loss of ubiquinone reductase activity, reduced protein expression, reduced superoxide generation (PMID: 17208193, 23175444, 25328978). This variant has been reported in numerous individuals affected with paragaglioma (PMID: 11343322, 16080474, 16317055, 17563904, 18692411, 22241717, 23433498, 27279923, 29386252, 30375904). The variant is a highly recurrent mutation in individuals native to Trentino, Italy (PMID: 22456618). This variant has not been identified in the general population by the Genome Aggregation Database (gnomAD). Based on the available evidence, this variant is classified as Pathogenic.

This study involves interpretation of variants in research participants for the purpose of population health screening. Participant phenotype was not available at the time of variant classification. Additional details can be found in publication PMID: 35346344, PMCID: PMC8962531

Color Diagnostics, LLC DBA Color Health
Classification: Pathogenic for Hereditary pheochromocytoma and paraganglioma. Last evaluated: 2023-05-05. Review status: criteria provided, single submitter. Criteria: ACMG Guidelines, 2015. Collection method: clinical testing. Allele origin: germline.
Comment: This missense variant replaces tyrosine with cysteine at codon 114 of the SDHD protein. Computational prediction suggests that this variant may have deleterious impact on protein structure and function (internally defined REVEL score threshold >= 0.7, PMID: 27666373). Functional studies in yeast have shown a complete loss of ubiquinone reductase activity, reduced protein expression, reduced superoxide generation (PMID: 17208193, 23175444, 25328978). This variant has been reported in numerous individuals affected with paraganglioma (PMID: 11343322, 16080474, 16317055, 17563904, 18692411, 22241717, 23433498, 27279923, 29386252, 30375904). The variant is a highly recurrent mutation in individuals native to Trentino, Italy (PMID: 22456618). This variant has not been identified in the general population by the Genome Aggregation Database (gnomAD). Based on the available evidence, this variant is classified as Pathogenic.

GeneDx
Classification: Pathogenic. Last evaluated: 2022-11-02. Review status: criteria provided, single submitter. Criteria: GeneDx Variant Classification Process June 2021. Collection method: clinical testing. Allele origin: germline. Affected: yes.
Comment: Not observed at significant frequency in large population cohorts (gnomAD); In silico analysis supports that this missense variant has a deleterious effect on protein structure/function; Published functional studies demonstrate a damaging effect: protein instability, reduced SDH enzyme activity, and increased mtDNA mutability and sensitivity to oxidative stress (Panizza et al., 2013; Chang et al., 2015); This variant is associated with the following publications: (PMID: 17208193, 26916530, 19454582, 30050099, 34906457, 23175444, 22456618, 16080530, 15066320, 21792967, 18826997, 26259135, 26549015, 15883710, 15988378, 25394176, 22241717, 18692411, 16317055, 21844248, 27279923, 16080474, 15328326, 11343322, 9295078, 29386252, 23433498, 17102086, 25275255, 30375904, 34939938, 17563904, 25328978)